The following is an entry in ClinVar:

NC_000005.9:g.(?_34929925)_(34954819_?)dup

Gene: DNAJC21 (DnaJ heat shock protein family (Hsp40) member C21; plus strand). Cytogenetic location: 5p13.2.
Variant type: Duplication.
Identifiers: ClinVar variation 2423467 (VCV002423467.3).

ClinVar aggregate classification (germline): Uncertain significance (1 of 4 stars; one submission).

Submission:

Labcorp Genetics (formerly Invitae), Labcorp
Classification: Uncertain significance. Last evaluated: 2022-08-21. Review status: criteria provided, single submitter. Criteria: Invitae Variant Classification Sherloc (09022015). Collection method: clinical testing. Allele origin: germline.
Comment: A copy number gain of the genomic region encompassing the full coding sequence of the DNAJC21 gene has been identified. The boundaries of this event are unknown as they extend beyond the assayed region for this gene and therefore may encompass additional genes. As the precise location of this event is unknown, it may be in tandem or it may be located elsewhere in the genome. This variant has not been reported in the literature in individuals affected with DNAJC21-related conditions. In summary, the available evidence is currently insufficient to determine the role of this variant in disease. Therefore, it has been classified as a Variant of Uncertain Significance.